The following is an entry in ClinVar:

ClinVar aggregate classification (germline): Likely pathogenic (1 of 4 stars; one submission).

gnomAD v4.1: 1 of 1,614,234 alleles (0.000062%); highest among the groups gnomAD compares: Non-Finnish European, 0.000085%; no homozygotes.

Submission:

Labcorp Genetics (formerly Invitae), Labcorp
Classification: Likely pathogenic. Last evaluated: 2022-12-27. Review status: criteria provided, single submitter. Criteria: Invitae Variant Classification Sherloc (09022015). Collection method: clinical testing. Allele origin: germline.
Comment: This sequence change replaces asparagine, which is neutral and polar, with isoleucine, which is neutral and non-polar, at codon 1436 of the ABCA4 protein (p.Asn1436Ile). For these reasons, this variant has been classified as Pathogenic. Advanced modeling of protein sequence and biophysical properties (such as structural, functional, and spatial information, amino acid conservation, physicochemical variation, residue mobility, and thermodynamic stability) performed at Invitae indicates that this missense variant is expected to disrupt ABCA4 protein function. This missense change has been observed in individual(s) with clinical features of Stargardt disease (Invitae). This variant is not present in population databases (gnomAD no frequency).

NM_000350.3(ABCA4):c.4307A>T (p.Asn1436Ile)

Gene: ABCA4 (ATP binding cassette subfamily A member 4; minus strand). Cytogenetic location: 1p22.1.
Variant type: single nucleotide variant.
Coding change: c.4307A>T on transcript NM_000350.3 (MANE Select); coding-DNA position 4307, A replaced by T.
Protein change: p.Asn1436Ile; replaces asparagine 1436 with isoleucine.
Molecular consequence: missense variant.
Genome position (GRCh38, 1-based): chr1:94,030,473, T>A on the plus strand (A>T on the coding strand, the complement: ABCA4 is on the minus strand). VCF-style: chr1-94030473-T-A. GRCh37 (hg19) VCF-style: chr1-94496029-T-A.
Other names: c.4085A>T, p.Asn1362Ile (NM_001425324.1); short protein forms N1436I, N1362I.
Identifiers: ClinVar variation 2824513 (VCV002824513.3), dbSNP rs1660168484, ClinGen allele CA341285778.
Genomic context (GRCh38, chr1:94,030,473, plus strand): 5'-CGCGTAGGCACTTACGGAAGCCACCCTTCCTTCAGGCAGCGGTTGCCAAAGCCTGGCTTA[T>A]TCAGGAGGACGTCTGCAAGTACCGTGAACTGCTCACTGCCTGGTTCATCCATGCTAGACA-3'
Protein context (NP_000341.2, residues 1426-1446): QFTVLADVLL[Asn1436Ile]KPGFGNRCLK